The following is an entry in ClinVar:

NM_002907.4(RECQL):c.868-13_868-9del

Gene: RECQL (RecQ like helicase; minus strand). Cytogenetic location: 12p12.1.
Variant type: Microsatellite.
Coding change: c.868-13_868-9del on transcript NM_002907.4 (MANE Select); 13 bases into the intron before coding-DNA position 868 through 9 bases into the intron before coding-DNA position 868, 5 bases deleted (AAGTT; older notation c.868-13_868-9delAAGTT).
Molecular consequence: intron variant.
Genome position (GRCh38, 1-based): chr12:21,477,001-21,477,005, AACTT deleted on the plus strand (AAGTT on the coding strand, the reverse complement: RECQL is on the minus strand); deleting any 5 consecutive bases within chr12:21,477,001-21,477,011 gives the same sequence; the c. name uses the placement nearest the transcript's 3' end. VCF-style (leftmost placement, unchanged base first): chr12-21477000-AAACTT-A. GRCh37 (hg19) VCF-style: chr12-21629934-AAACTT-A.
Other names: c.868-13_868-9del (NM_032941.3).
Identifiers: ClinVar variation 3708964 (VCV003708964.2).

ClinVar aggregate classification (germline): Uncertain significance (1 of 4 stars; one submission).

Submission:

Labcorp Genetics (formerly Invitae), Labcorp
Classification: Uncertain significance. Last evaluated: 2024-10-31. Review status: criteria provided, single submitter. Criteria: Invitae Variant Classification Sherloc (09022015). Collection method: clinical testing. Allele origin: germline.
Comment: This sequence change falls in intron 7 of the RECQL gene. It does not directly change the encoded amino acid sequence of the RECQL protein. This variant is not present in population databases (gnomAD no frequency). This variant has not been reported in the literature in individuals affected with RECQL-related conditions. Algorithms developed to predict the effect of sequence changes on RNA splicing suggest that this variant may disrupt the consensus splice site. In summary, the available evidence is currently insufficient to determine the role of this variant in disease. Therefore, it has been classified as a Variant of Uncertain Significance.